The following is an entry in ClinVar:

NM_000088.4(COL1A1):c.2009dup (p.Gly671fs)

Gene: COL1A1 (collagen type I alpha 1 chain; minus strand). Cytogenetic location: 17q21.33.
Variant type: Duplication.
Coding change: c.2009dup on transcript NM_000088.4 (MANE Select); coding-DNA position 2009, one base duplicated (C; older notation c.2009dupC).
Protein change: p.Gly671fs; shifts the reading frame from glycine 671.
Molecular consequence: frameshift variant.
Genome position (GRCh38, 1-based): chr17:50,191,999, G duplicated on the plus strand (C on the coding strand, the reverse complement: COL1A1 is on the minus strand); the first of 4 consecutive G bases (chr17:50,191,999-50,192,002); duplicating any one gives the same sequence. VCF-style (leftmost placement, unchanged base first): chr17-50191998-A-AG. GRCh37 (hg19) VCF-style: chr17-48269359-A-AG.
Other names: short protein forms G671fs.
Identifiers: ClinVar variation 2768823 (VCV002768823.3), dbSNP rs2509201973, ClinGen allele CA2697560402.
Genomic context (GRCh38, chr17:50,191,998, plus strand): 5'-TACGACGCACCTTGACGGATGCAGCGAGAGAGGCCTACTTACTCTTGCTCCAGAGGGGCC[A>AG]GGGGCGCCAAGGTCTCCAGGAACACCCTGAGGGGGAGGGAGAGAGGAACAGACAGTGAGC-3'

ClinVar aggregate classification (germline): Pathogenic (1 of 4 stars; one submission).

Conditions:
Osteogenesis imperfecta type I (OI1). Also called: Classic Non-deforming Osteogenesis Imperfecta with Blue Sclerae; OI, TYPE I; OSTEOGENESIS IMPERFECTA TARDA; OSTEOGENESIS IMPERFECTA WITH BLUE SCLERAE; Osteogenesis imperfecta type 1; Lobstein's Disease. Identifiers: Orphanet 216796, Orphanet 666, MedGen C0023931, MONDO:0008146, OMIM 166200. Disease mechanism: loss of function.

Submission:

Labcorp Genetics (formerly Invitae), Labcorp
Classification: Pathogenic for Osteogenesis imperfecta type I. Last evaluated: 2025-12-02. Review status: criteria provided, single submitter. Criteria: Invitae Variant Classification Sherloc (09022015). Collection method: clinical testing. Allele origin: germline.
Comment: This sequence change creates a premature translational stop signal (p.Gly671Trpfs*39) in the COL1A1 gene. It is expected to result in an absent or disrupted protein product. Loss-of-function variants in COL1A1 are known to be pathogenic (PMID: 7942841, 9295084, 9443882). This variant is not present in population databases (gnomAD no frequency). This variant has not been reported in the literature in individuals affected with COL1A1-related conditions. ClinVar contains an entry for this variant (Variation ID: 2768823). For these reasons, this variant has been classified as Pathogenic.

Literature cited by the submitters: PubMed 7942841; PubMed 9295084; PubMed 9443882.